The following is an entry in ClinVar:

ClinVar aggregate classification (germline): Likely benign (1 of 4 stars; one submission).

Submission:

Women's Health and Genetics/Laboratory Corporation of America, LabCorp
Classification: Likely benign. Last evaluated: 2024-07-29. Review status: criteria provided, single submitter. Criteria: LabCorp Variant Classification Summary - May 2015. Collection method: clinical testing. Allele origin: germline.
Comment: Variant summary: PON2 c.201+13_201+15delTTC alters a nucleotide located at a position not widely known to affect splicing. Consensus agreement among computation tools predict no significant impact on normal splicing. However, these predictions have yet to be confirmed by functional studies. The variant was absent in 251350 control chromosomes. The available data on variant occurrences in the general population are insufficient to allow any conclusion about variant significance. To our knowledge, no occurrence of c.201+13_201+15delTTC in individuals affected with Early Onset Coronary Artery Disease and no experimental evidence demonstrating its impact on protein function have been reported. No submitters have cited clinical-significance assessments for this variant to ClinVar. Based on the evidence outlined above, the variant was classified as likely benign.

NM_000305.3(PON2):c.201+13_201+15del

Genes: PON2 (paraoxonase 2; minus strand), ASB4 (ankyrin repeat and SOCS box containing 4; plus strand), LOC107986822 (uncharacterized LOC107986822; plus strand). Cytogenetic location: 7q21.3.
Variant type: Microsatellite.
Coding change: c.201+13_201+15del on transcript NM_000305.3 (MANE Select); bases 13 to 15 of the intron after coding-DNA position 201, 3 bases deleted (TTC; older notation c.201+13_201+15delTTC).
Molecular consequence: intron variant.
Genome position (GRCh38, 1-based): chr7:95,416,227-95,416,229, GAA deleted on the plus strand (TTC on the coding strand, the reverse complement: PON2 is on the minus strand); deleting any 3 consecutive bases within chr7:95,416,227-95,416,234 gives the same sequence; the c. name uses the placement nearest the transcript's 3' end. VCF-style (leftmost placement, unchanged base first): chr7-95416226-GGAA-G. GRCh37 (hg19) VCF-style: chr7-95045538-GGAA-G.
Other names: c.201+13_201+15del (NM_001018161.2); c.201+13_201+15delTTC (NM_000305.3).
Identifiers: ClinVar variation 3339288 (VCV003339288.1).
Genomic context (GRCh38, chr7:95,416,226, plus strand): 5'-ACTTACTGTTCTGCAGCCCTCATCAAATACCCTTGTATCTCCTCTGCTGAATTTGGGGAA[GGAA>G]GAAGACACTCACCACACTAAAAAAAGCCAGACCATTGGGAAGTATGTCAATATCTTCAGA-3'